The following is an entry in ClinVar:

ClinVar aggregate classification (germline): Pathogenic/Likely pathogenic. Review status: criteria provided, multiple submitters, no conflicts (2 of 4 stars). 2 submissions from 2 submitters: Pathogenic (1); Likely pathogenic (1). Last evaluated 2024-05-22.

Conditions:
Methylmalonic aciduria due to methylmalonyl-CoA mutase deficiency (MAMM). Also called: Methylmalonic aciduria, mut type. Identifiers: Orphanet 27, MedGen C1855114, MONDO:0009612, OMIM 251000.

Allele frequency attached by ClinVar (database versions not stated): gnomAD exomes below 0.00001; ExAC 0.00001; gnomAD 0.00001; TOPMed 0.00001.

Submissions (3):

Labcorp Genetics (formerly Invitae), Labcorp
Classification: Pathogenic. Last evaluated: 2024-05-22. Review status: criteria provided, single submitter. Criteria: Invitae Variant Classification Sherloc (09022015). Collection method: clinical testing. Allele origin: germline.
Comment: This sequence change replaces methionine, which is neutral and non-polar, with arginine, which is basic and polar, at codon 182 of the MUT protein (p.Met182Arg). This variant is present in population databases (rs763208217, gnomAD 0.007%). This missense change has been observed in individual(s) with methylmalonic aciduria (Invitae). In at least one individual the data is consistent with being in trans (on the opposite chromosome) from a pathogenic variant. ClinVar contains an entry for this variant (Variation ID: 1522733). Advanced modeling of protein sequence and biophysical properties (such as structural, functional, and spatial information, amino acid conservation, physicochemical variation, residue mobility, and thermodynamic stability) performed at Invitae indicates that this missense variant is expected to disrupt MUT protein function with a positive predictive value of 95%. Algorithms developed to predict the effect of sequence changes on RNA splicing suggest that this variant may create or strengthen a splice site. For these reasons, this variant has been classified as Pathogenic.

Illumina Laboratory Services, Illumina
Classification: Likely pathogenic for Methylmalonic aciduria due to methylmalonyl-CoA mutase deficiency. Last evaluated: 2023-05-15. Review status: criteria provided, single submitter. Criteria: ICSLVariantClassificationCriteria RUGD 01 April 2020. Collection method: clinical testing. Allele origin: unknown.
Comment: The MMUT c.545T>G (p.Met182Arg) missense variant has not, to our knowledge, been reported in the peer-reviewed literature and is not observed at a significant frequency in version 2.1.1 or version 3.1.2 of the Genome Aggregation Database. The p.Met182Arg variant is located in a known functional domain (PMID: 27167370). Based on the available evidence, the c.545T>G (p.Met182Arg) variant is classified as likely pathogenic for methylmalonic aciduria due to methylmalonyl-CoA mutase deficiency.

Dr. Peter K. Rogan Lab, Western University
No classification provided (evidence only). Condition: Familial cancer of breast. Review status: no classification provided. Collection method: in vitro. Allele origin: not applicable. Functional consequence: retained intron. Not counted in ClinVar's aggregate classification.

Literature cited by the submitters: PubMed 27167370 (cited by Illumina Laboratory Services, Illumina).

NM_000255.4(MMUT):c.545T>G (p.Met182Arg)

Gene: MMUT (methylmalonyl-CoA mutase; minus strand). Cytogenetic location: 6p12.3.
Variant type: single nucleotide variant.
Coding change: c.545T>G on transcript NM_000255.4 (MANE Select); coding-DNA position 545, T replaced by G.
Protein change: p.Met182Arg; replaces methionine 182 with arginine.
Molecular consequence: missense variant.
Genome position (GRCh38, 1-based): chr6:49,457,899, A>C on the plus strand (T>G on the coding strand, the complement: MMUT is on the minus strand). VCF-style: chr6-49457899-A-C. GRCh37 (hg19) VCF-style: chr6-49425612-A-C.
Other names: short protein forms M182R.
Identifiers: ClinVar variation 1522733 (VCV001522733.9), dbSNP rs763208217, ClinGen allele CA3847096.
Genomic context (GRCh38, chr6:49,457,899, plus strand): 5'-GTTACTATAAAATTTGCAAGAACTGGAATAACTGCTCCATTCATAGTCATGGAAACTGAC[A>C]TTTTTTCTAAAGGAATTCCATCAAAAAGAATTTTGGTATCTTCCACAGTGTCAATAGCAA-3'
Protein context (NP_000246.2, residues 172-192): ILFDGIPLEK[Met182Arg]SVSMTMNGAV